The following is an entry in ClinVar:

NM_000342.4(SLC4A1):c.2345G>T (p.Arg782Leu)

Gene: SLC4A1 (solute carrier family 4 member 1 (Diego blood group); minus strand). Cytogenetic location: 17q21.31.
Variant type: single nucleotide variant.
Coding change: c.2345G>T on transcript NM_000342.4 (MANE Select); coding-DNA position 2345, G replaced by T.
Protein change: p.Arg782Leu; replaces arginine 782 with leucine.
Molecular consequence: missense variant.
Genome position (GRCh38, 1-based): chr17:44,251,555, C>A on the plus strand (G>T on the coding strand, the complement: SLC4A1 is on the minus strand). VCF-style: chr17-44251555-C-A. GRCh37 (hg19) VCF-style: chr17-42328923-C-A.
Other names: short protein forms R782L.
Identifiers: ClinVar variation 3319918 (VCV003319918.3).
Genomic context (GRCh38, chr17:44,251,555, plus strand): 5'-CCGCTGAGCGACGTGACCCCCATGTAGAGGAAGATGCCAAACAGTACAGCCAGGGGGATG[C>A]GGGACAGGATGGGCTCCATGAGGATGGACAGGCCTGTGGGGGAGCCGCACACTCTCAGCC-3'
Protein context (NP_000333.1, residues 772-792): LSILMEPILS[Arg782Leu]IPLAVLFGIF

ClinVar aggregate classification (germline): Uncertain significance. Review status: criteria provided, multiple submitters, no conflicts (2 of 4 stars). 3 submissions from 3 submitters: Uncertain significance (3). Last evaluated 2026-01-20.

Conditions:
Inborn genetic diseases. Identifiers: MedGen C0950123, MeSH D030342.
SLC4A1-related disorder. Also called: SLC4A1-related condition; SLC4A1-related disorders.

gnomAD v4.1: 7 of 1,613,866 alleles (0.00043%); highest among the groups gnomAD compares: African/African-American, 0.004%; no homozygotes.

Submissions (3):

PreventionGenetics, part of Exact Sciences
Classification: Uncertain significance for SLC4A1-related condition. Last evaluated: 2026-01-20. Review status: criteria provided, single submitter. Criteria: ACMG Guidelines, 2015. Collection method: clinical testing. Allele origin: germline.
Comment: The SLC4A1 c.2345G>T variant is predicted to result in the amino acid substitution p.Arg782Leu. To our knowledge, this variant has not been reported in the literature. This variant is reported in 0.0065% of alleles in individuals of South Asian descent in gnomAD. At this time, the clinical significance of this variant is uncertain due to the absence of conclusive functional and genetic evidence.

Revvity Omics, Revvity
Classification: Uncertain significance. Last evaluated: 2024-08-05. Review status: criteria provided, single submitter. Criteria: ACMG Guidelines, 2015. Collection method: clinical testing. Allele origin: germline.

Ambry Genetics
Classification: Uncertain significance for Inborn genetic diseases. Last evaluated: 2024-05-09. Review status: criteria provided, single submitter. Criteria: Ambry Variant Classification Scheme 2023. Collection method: clinical testing. Allele origin: germline.